The following is an entry in ClinVar:

ClinVar aggregate classification (germline): Uncertain significance (1 of 4 stars; one submission).

Conditions:
Familial cancer of breast. Also called: Hereditary breast cancer; BREAST CANCER, FAMILIAL; hereditary breast carcinoma. Identifiers: Orphanet 227535, MedGen C0346153, MONDO:0016419, OMIM 114480. Disease mechanism: loss of function.

Submission:

Labcorp Genetics (formerly Invitae), Labcorp
Classification: Uncertain significance for Familial cancer of breast. Last evaluated: 2020-03-03. Review status: criteria provided, single submitter. Criteria: Invitae Variant Classification Sherloc (09022015). Collection method: clinical testing. Allele origin: germline.
Comment: This sequence change replaces asparagine with isoleucine at codon 405 of the CHEK2 protein (p.Asn405Ile). The asparagine residue is weakly conserved and there is a large physicochemical difference between asparagine and isoleucine. This variant is not present in population databases (ExAC no frequency). This variant has not been reported in the literature in individuals with CHEK2-related conditions. Algorithms developed to predict the effect of missense changes on protein structure and function are either unavailable or do not agree on the potential impact of this missense change (SIFT: "Deleterious"; PolyPhen-2: "Benign"; Align-GVGD: "Class C0"). In summary, the available evidence is currently insufficient to determine the role of this variant in disease. Therefore, it has been classified as a Variant of Uncertain Significance.

NM_007194.4(CHEK2):c.1214A>T (p.Asn405Ile)

Gene: CHEK2 (checkpoint kinase 2; minus strand). Cytogenetic location: 22q12.1.
Variant type: single nucleotide variant.
Coding change: c.1214A>T on transcript NM_007194.4 (MANE Select); coding-DNA position 1214, A replaced by T.
Protein change: p.Asn405Ile; replaces asparagine 405 with isoleucine.
Molecular consequence: missense variant.
Genome position (GRCh38, 1-based): chr22:28,695,755, T>A on the plus strand (A>T on the coding strand, the complement: CHEK2 is on the minus strand). VCF-style: chr22-28695755-T-A. GRCh37 (hg19) VCF-style: chr22-29091743-T-A.
Other names: c.1343A>T, p.Asn448Ile (NM_001005735.3); c.551A>T, p.Asn184Ile (NM_001257387.3); c.1013A>T, p.Asn338Ile (NM_001349956.3); c.1127A>T, p.Asn376Ile (NM_145862.3); short protein forms N184I, N338I, N376I, N405I, N448I.
Identifiers: ClinVar variation 1017914 (VCV001017914.9), dbSNP rs369070738, ClinGen allele CA411096720.